The following is an entry in ClinVar:

ClinVar aggregate classification (germline): Uncertain significance (1 of 4 stars; one submission).

gnomAD v4.1: 2 of 1,612,922 alleles (0.00012%); highest among the groups gnomAD compares: Non-Finnish European, 0.00017%; no homozygotes.

Submission:

Ambry Genetics
Classification: Uncertain significance. Last evaluated: 2025-02-28. Review status: criteria provided, single submitter. Criteria: Ambry Variant Classification Scheme 2023. Collection method: clinical testing. Allele origin: germline.
Comment: The p.Q740R variant (also known as c.2219A>G), located in coding exon 4 of the CDK12 gene, results from an A to G substitution at nucleotide position 2219. The glutamine at codon 740 is replaced by arginine, an amino acid with highly similar properties. This amino acid position is conserved. In addition, this alteration is predicted to be deleterious by in silico analysis. Based on the available evidence, the clinical significance of this variant remains unclear.

NM_016507.4(CDK12):c.2219A>G (p.Gln740Arg)

Gene: CDK12 (cyclin dependent kinase 12; plus strand). Cytogenetic location: 17q12.
Variant type: single nucleotide variant.
Coding change: c.2219A>G on transcript NM_016507.4 (MANE Select); coding-DNA position 2219, A replaced by G.
Protein change: p.Gln740Arg; replaces glutamine 740 with arginine.
Molecular consequence: missense variant.
Genome position (GRCh38, 1-based): chr17:39,492,861, A>G. VCF-style: chr17-39492861-A-G. GRCh37 (hg19) VCF-style: chr17-37649114-A-G.
Other names: c.2219A>G, p.Gln740Arg (NM_015083.4); short protein forms Q740R.
Identifiers: ClinVar variation 3830728 (VCV003830728.1).